The following is an entry in ClinVar:

ClinVar aggregate classification (germline): Likely benign (1 of 4 stars; one submission).

Conditions:
Malignant hyperthermia, susceptibility to, 5 (MHS5). Also called: CACNA1S-Related Malignant Hyperthermia Susceptibility. Identifiers: Orphanet 423, MedGen C1866077, MONDO:0011163, OMIM 601887.

Submission:

All of Us Research Program, National Institutes of Health
Classification: Likely benign for Malignant hyperthermia, susceptibility to, 5. Last evaluated: 2023-06-26. Review status: criteria provided, single submitter. Criteria: ACMG Guidelines, 2015. Collection method: clinical testing. Allele origin: germline. Inheritance: Autosomal dominant inheritance. Observed: 1 variant allele, 1 heterozygote.
Comment: This study involves interpretation of variants in research participants for the purpose of population health screening. Participant phenotype was not available at the time of variant classification. Additional details can be found in publication PMID: 35346344, PMCID: PMC8962531

NM_000069.3(CACNA1S):c.3330G>A (p.Gln1110=)

Gene: CACNA1S (calcium voltage-gated channel subunit alpha1 S; minus strand). Cytogenetic location: 1q32.1.
Variant type: single nucleotide variant.
Coding change: c.3330G>A on transcript NM_000069.3 (MANE Select); coding-DNA position 3330, G replaced by A.
Protein change: p.Gln1110=; no amino-acid change (glutamine 1110 retained).
Molecular consequence: synonymous variant.
Genome position (GRCh38, 1-based): chr1:201,060,742, C>T on the plus strand (G>A on the coding strand, the complement: CACNA1S is on the minus strand). VCF-style: chr1-201060742-C-T. GRCh37 (hg19) VCF-style: chr1-201029870-C-T.
Identifiers: ClinVar variation 3071714 (VCV003071714.1), dbSNP rs2464494863, ClinGen allele CA422720103.